The following is an entry in ClinVar:

NM_000124.4(ERCC6):c.2247del (p.Asp749fs)

Gene: ERCC6 (ERCC excision repair 6, chromatin remodeling factor; minus strand). Cytogenetic location: 10q11.23.
Variant type: Deletion.
Coding change: c.2247del on transcript NM_000124.4 (MANE Select); coding-DNA position 2247, one base deleted (T; older notation c.2247delT).
Protein change: p.Asp749fs; shifts the reading frame from aspartic acid 749.
Molecular consequence: frameshift variant.
Genome position (GRCh38, 1-based): chr10:49,478,393, A deleted on the plus strand (T on the coding strand, the reverse complement: ERCC6 is on the minus strand). VCF-style (leftmost placement, unchanged base first): chr10-49478392-CA-C. GRCh37 (hg19) VCF-style: chr10-50686438-CA-C.
Other names: c.2247del, p.Asp749fs (NM_001346440.2); short protein forms D749fs.
Identifiers: ClinVar variation 1457541 (VCV001457541.6), dbSNP rs2132546827, ClinGen allele CA2573145176.

ClinVar aggregate classification (germline): Pathogenic (1 of 4 stars; one submission).

Submission:

Labcorp Genetics (formerly Invitae), Labcorp
Classification: Pathogenic. Last evaluated: 2021-11-21. Review status: criteria provided, single submitter. Criteria: Invitae Variant Classification Sherloc (09022015). Collection method: clinical testing. Allele origin: germline.
Comment: This sequence change creates a premature translational stop signal (p.Asp749Glufs*4) in the ERCC6 gene. It is expected to result in an absent or disrupted protein product. Loss-of-function variants in ERCC6 are known to be pathogenic (PMID: 18628313, 29572252). This variant is not present in population databases (gnomAD no frequency). This premature translational stop signal has been observed in individual(s) with Cockayne syndrome (PMID: 19894250). For these reasons, this variant has been classified as Pathogenic.

Literature cited by the submitters: PubMed 18628313; PubMed 29572252; PubMed 19894250.